The following is an entry in ClinVar:

NM_001004334.4(GPR179):c.3616G>A (p.Val1206Ile)

Gene: GPR179 (G protein-coupled receptor 179; minus strand). Cytogenetic location: 17q12.
Variant type: single nucleotide variant.
Coding change: c.3616G>A on transcript NM_001004334.4 (MANE Select); coding-DNA position 3616, G replaced by A.
Protein change: p.Val1206Ile; replaces valine 1206 with isoleucine.
Molecular consequence: missense variant.
Genome position (GRCh38, 1-based): chr17:38,329,953, C>T on the plus strand (G>A on the coding strand, the complement: GPR179 is on the minus strand). VCF-style: chr17-38329953-C-T. GRCh37 (hg19) VCF-style: chr17-36485836-C-T.
Other names: short protein forms V1206I.
Identifiers: ClinVar variation 2065282 (VCV002065282.4), dbSNP rs2512160829, ClinGen allele CA398879058.

ClinVar aggregate classification (germline): Uncertain significance (1 of 4 stars; one submission).

gnomAD v4.1: 2 of 1,614,242 alleles (0.00012%); highest among the groups gnomAD compares: Non-Finnish European, 0.000085%; no homozygotes.

Submission:

Labcorp Genetics (formerly Invitae), Labcorp
Classification: Uncertain significance. Last evaluated: 2022-09-19. Review status: criteria provided, single submitter. Criteria: Invitae Variant Classification Sherloc (09022015). Collection method: clinical testing. Allele origin: germline.
Comment: In summary, the available evidence is currently insufficient to determine the role of this variant in disease. Therefore, it has been classified as a Variant of Uncertain Significance. Algorithms developed to predict the effect of missense changes on protein structure and function (SIFT, PolyPhen-2, Align-GVGD) all suggest that this variant is likely to be tolerated. This variant has not been reported in the literature in individuals affected with GPR179-related conditions. This variant is not present in population databases (gnomAD no frequency). This sequence change replaces valine, which is neutral and non-polar, with isoleucine, which is neutral and non-polar, at codon 1206 of the GPR179 protein (p.Val1206Ile).